The following continues an entry in ClinVar:

NM_000535.7(PMS2):c.765C>A (p.Tyr255Ter)

Gene: PMS2. ClinVar aggregate classification (germline): Pathogenic. Pathogenic (17).

Submissions 7 to 18 of 18:

Blueprint Genetics
Classification: Pathogenic for PMS2-related disorders. Last evaluated: 2024-06-10. Review status: criteria provided, single submitter. Criteria: ACMG Guidelines, 2015. Collection method: clinical testing. Allele origin: germline. Affected: yes. Observed: 1 variant allele.

Baylor Genetics
Classification: Pathogenic for Lynch syndrome 4. Last evaluated: 2024-03-14. Review status: criteria provided, single submitter. Criteria: ACMG Guidelines, 2015. Collection method: clinical testing. Allele origin: unknown.

Fulgent Genetics
Classification: Pathogenic for Lynch syndrome 4; Mismatch repair cancer syndrome 4. Last evaluated: 2024-03-05. Review status: criteria provided, single submitter. Criteria: ACMG Guidelines, 2015. Collection method: clinical testing. Allele origin: germline.

Revvity Omics, Revvity
Classification: Pathogenic. Last evaluated: 2023-12-22. Review status: criteria provided, single submitter. Criteria: ACMG Guidelines, 2015. Collection method: clinical testing. Allele origin: germline.

St. Jude Molecular Pathology, St. Jude Children's Research Hospital
Classification: Pathogenic for Lynch syndrome 4. Last evaluated: 2023-10-16. Review status: criteria provided, single submitter. Criteria: St. Jude Assertion Criteria 2020. Collection method: clinical testing. Allele origin: germline. Affected: yes.
Comment: The PMS2 c.765C>A (p.Tyr255Ter) change is a nonsense variant that is predicted to cause premature protein truncation or absence of protein due to nonsense-mediated decay. This variant has been reported in individuals with Lynch-syndrome associated cancers (PMID: 25871621, 27443514, 28888541, 35346574). This variant has a maximum subpopulation frequency of 0.0065% in gnomAD v2.1.1. In summary, this variant meets criteria to be classified as pathogenic.

Myriad Genetics, Inc.
Classification: Pathogenic for Lynch syndrome 4. Last evaluated: 2023-09-19. Review status: criteria provided, single submitter. Criteria: Myriad Autosomal Dominant, Autosomal Recessive and X-Linked Classification Criteria (2023). Collection method: clinical testing. Allele origin: unknown.
Comment: This variant is considered pathogenic. This variant creates a termination codon and is predicted to result in premature protein truncation.

GeneDx
Classification: Pathogenic. Last evaluated: 2023-05-04. Review status: criteria provided, single submitter. Criteria: GeneDx Variant Classification Process June 2021. Collection method: clinical testing. Allele origin: germline. Affected: yes.
Comment: Nonsense variant predicted to result in protein truncation or nonsense mediated decay in a gene for which loss of function is a known mechanism of disease; Observed in multiple individuals with a personal and/or family history of PMS2-related cancers (Vaughn et al., 2013; Dudley et al., 2015; Goodenberger et al., 2016; Ring et al., 2016; Rosty et al., 2016; Yurgelun et al., 2017); Not observed at significant frequency in large population cohorts (gnomAD); Truncating variants in this gene are considered pathogenic by a well-established clinical consortium and/or database; This variant is associated with the following publications: (PMID: 29478780, 27882345, 26895986, 23012243, 29345684, 28888541, 31447099, 25980754, 25871621, 25856668, 28135145, 27443514, 29596542, 32719484, 30787465)

Laboratory for Molecular Medicine, Mass General Brigham Personalized Medicine
Classification: Pathogenic for Lynch syndrome. Last evaluated: 2022-11-23. Review status: criteria provided, single submitter. Criteria: ACMG Guidelines, 2015. Collection method: clinical testing. Allele origin: germline. Inheritance: Autosomal dominant inheritance.
Comment: The p.Tyr255X variant in PMS2 has been reported in at least 3 individuals with PMS2-associated cancers (Dudley 2015 PMID: 25871621, Yurgelun 2015 PMID: 25980754, Goodenberger 2016 PMID: 25856668). It has also been reported by other clinical laboratories in ClinVar (Variation ID: 183716) and was identified in 0.007% (1/15280) of European chromosomes by gnomAD. This nonsense variant leads to a premature termination codon at position 255, which is predicted to lead to a truncated or absent protein. Heterozygous loss of function of the PMS2 gene is an established disease mechanism in autosomal dominant Lynch syndrome. In summary, this variant meets criteria to be classified as pathogenic for autosomal dominant Lynch syndrome. ACMG/AMP Criteria applied: PVS1, PM2_Supporting, PS4_Supporting.

Sema4
Classification: Pathogenic for Hereditary cancer-predisposing syndrome. Last evaluated: 2021-11-13. Review status: criteria provided, single submitter. Criteria: Sema4 Curation Guidelines. Collection method: curation. Allele origin: germline.
Comment: The PMS2 c.765C>A (p.Y255X) variant has been reported in patients with colorectal cancer, endometrial cancer, and with a history of LS-associated cancer and/or colorectal polyps (PMID: 25980754, 27443514, 25871621). This nonsense variant creates a premature stop codon at residue 255 of the PMS2 protein. At this location, this is predicted to cause nonsense-mediated decay and result in an absent protein (loss of function). Loss of function variants in PMS2 are known to be pathogenic (PMID: 24362816). It was observed in 1/31080 chromosomes across all populations, in the large and broad cohorts of the Genome Aggregation Database (PMID: 32461654). The variant has been reported in ClinVar (Variation ID 183716). Based on the current evidence available, this variant is interpreted as pathogenic.

Quest Diagnostics Nichols Institute San Juan Capistrano
Classification: Pathogenic. Last evaluated: 2021-05-21. Review status: criteria provided, single submitter. Criteria: Quest Diagnostics criteria. Collection method: clinical testing. Allele origin: unknown.
Comment: This nonsense variant causes the premature termination of PMS2 protein synthesis. It has been reported in individuals with colorectal and endometrial cancer in the published literature (PMID: 26895986 (2016), 27443514 (2016), 25856668 (2015), 25871621 (2015), 23012243 (2013)). Based on the available information, this variant is classified as pathogenic.

Women's Health and Genetics/Laboratory Corporation of America, LabCorp
Classification: Pathogenic for Lynch syndrome. Last evaluated: 2017-09-27. Review status: criteria provided, single submitter. Criteria: LabCorp Variant Classification Summary - May 2015. Collection method: clinical testing. Allele origin: germline.
Comment: Variant summary: The PMS2 c.765C>A (p.Tyr255X) variant results in a premature termination codon, predicted to cause a truncated or absent PMS2 protein due to nonsense mediated decay, which are commonly known mechanisms for disease. One in silico tool predicts a damaging outcome for this variant. Truncations downstream of this position have been classified as pathogenic by our laboratory (e.g. c.823C>T (p.Gln275X), c.861_864delACAG (p.Arg287fsX19), c.1021delA (p.Arg341fsX15)). The variant has been reported in multiple patients with colorectal cancer and other LS-associated tumors from Lynch syndrome families (e.g. Rosty_2016, Yurgelun_2015, Dudley_2015). This variant was found in 1/30666 control chromosomes at a frequency of 0.0000326, which does not exceed the estimated maximal expected allele frequency of a pathogenic PMS2 variant (0.0001136). In addition, multiple clinical diagnostic laboratories/reputable databases classified this variant as pathogenic. Taken together, this variant is classified as pathogenic.

True Health Diagnostics
Classification: Pathogenic for Hereditary cancer-predisposing syndrome. Last evaluated: 2017-09-07. Review status: no assertion criteria provided. Collection method: clinical testing. Allele origin: germline. Not counted in ClinVar's aggregate classification.

Literature cited by the submitters: PubMed 21376568 (cited by Labcorp Genetics (formerly Invitae), Labcorp); PubMed 24362816 (cited by Labcorp Genetics (formerly Invitae), Labcorp and Sema4); PubMed 23012243 (cited by 4 submitters); PubMed 25856668 (cited by 5 submitters); PubMed 25871621 (cited by 8 submitters); PubMed 25980754 (cited by 8 submitters); PubMed 26895986 (cited by 4 submitters); PubMed 27443514 (cited by 4 submitters); PubMed 32719484 (cited by Quest Diagnostics Nichols Institute San Juan Capistrano).